The following is an entry in ClinVar:

ClinVar aggregate classification (germline): Uncertain significance. Review status: criteria provided, multiple submitters, no conflicts (2 of 4 stars). 2 submissions from 2 submitters: Uncertain significance (2). Last evaluated 2024-02-19.

Conditions:
Familial cancer of breast. Also called: hereditary breast carcinoma; BREAST CANCER, FAMILIAL; Hereditary breast cancer. Identifiers: Orphanet 227535, MedGen C0346153, MONDO:0016419, OMIM 114480. Disease mechanism: loss of function.
Hereditary cancer-predisposing syndrome. Also called: Hereditary neoplastic syndrome; Hereditary Cancer Syndrome; Tumor predisposition; Neoplastic Syndromes, Hereditary. Identifiers: Orphanet 140162, MedGen C0027672, MeSH D009386, MONDO:0015356.

Submissions (2):

Labcorp Genetics (formerly Invitae), Labcorp
Classification: Uncertain significance for Familial cancer of breast. Last evaluated: 2024-02-19. Review status: criteria provided, single submitter. Criteria: Invitae Variant Classification Sherloc (09022015). Collection method: clinical testing. Allele origin: germline.
Comment: This sequence change replaces arginine, which is basic and polar, with serine, which is neutral and polar, at codon 424 of the BARD1 protein (p.Arg424Ser). This variant is not present in population databases (gnomAD no frequency). This variant has not been reported in the literature in individuals affected with BARD1-related conditions. ClinVar contains an entry for this variant (Variation ID: 1518281). An algorithm developed to predict the effect of missense changes on protein structure and function (PolyPhen-2) suggests that this variant is likely to be disruptive. In summary, the available evidence is currently insufficient to determine the role of this variant in disease. Therefore, it has been classified as a Variant of Uncertain Significance.

Ambry Genetics
Classification: Uncertain significance for Hereditary cancer-predisposing syndrome. Last evaluated: 2023-05-15. Review status: criteria provided, single submitter. Criteria: Ambry Variant Classification Scheme 2023. Collection method: clinical testing. Allele origin: germline.
Comment: The p.R424S variant (also known as c.1272A>C), located in coding exon 4 of the BARD1 gene, results from an A to C substitution at nucleotide position 1272. The arginine at codon 424 is replaced by serine, an amino acid with dissimilar properties. This amino acid position is conserved. In addition, the in silico prediction for this alteration is inconclusive. Since supporting evidence is limited at this time, the clinical significance of this alteration remains unclear.

NM_000465.4(BARD1):c.1272A>C (p.Arg424Ser)

Gene: BARD1 (BRCA1 associated RING domain 1; minus strand). Cytogenetic location: 2q35.
Variant type: single nucleotide variant.
Coding change: c.1272A>C on transcript NM_000465.4 (MANE Select); coding-DNA position 1272, A replaced by C.
Protein change: p.Arg424Ser; replaces arginine 424 with serine.
Molecular consequence: missense variant. On other transcripts: non-coding transcript variant (2), intron variant (3).
Genome position (GRCh38, 1-based): chr2:214,780,602, T>G on the plus strand (A>C on the coding strand, the complement: BARD1 is on the minus strand). VCF-style: chr2-214780602-T-G. GRCh37 (hg19) VCF-style: chr2-215645326-T-G.
Other names: c.1272A>C (NM_000465.2); c.1215A>C, p.Arg405Ser (NM_001282543.2); c.159-28047A>C (NM_001282548.2); c.215+16459A>C (NM_001282545.2); c.364+11695A>C (NM_001282549.2); short protein forms R405S, R424S.
Identifiers: ClinVar variation 1518281 (VCV001518281.10), dbSNP rs1559423356, ClinGen allele CA350453456.